The following is an entry in ClinVar:

NM_001077653.2(TBX20):c.469A>G (p.Asn157Asp)

Gene: TBX20 (T-box transcription factor 20; minus strand). Cytogenetic location: 7p14.2.
Variant type: single nucleotide variant.
Coding change: c.469A>G on transcript NM_001077653.2 (MANE Select); coding-DNA position 469, A replaced by G.
Protein change: p.Asn157Asp; replaces asparagine 157 with aspartic acid.
Molecular consequence: missense variant.
Genome position (GRCh38, 1-based): chr7:35,248,753, T>C on the plus strand (A>G on the coding strand, the complement: TBX20 is on the minus strand). VCF-style: chr7-35248753-T-C. GRCh37 (hg19) VCF-style: chr7-35288365-T-C.
Other names: c.469A>G, p.Asn157Asp (NM_001166220.1); short protein forms N157D.
Identifiers: ClinVar variation 3614537 (VCV003614537.3).

ClinVar aggregate classification (germline): Uncertain significance. Review status: criteria provided, multiple submitters, no conflicts (2 of 4 stars). 2 submissions from 2 submitters: Uncertain significance (2). Last evaluated 2025-01-19.

Conditions:
Cardiovascular phenotype. Identifiers: MedGen CN230736.

gnomAD v4.1: 20 of 1,614,224 alleles (0.0012%); highest among the groups gnomAD compares: South Asian, 0.022%; 1 homozygote.

Submissions (2):

Ambry Genetics
Classification: Uncertain significance for Cardiovascular phenotype. Last evaluated: 2025-01-19. Review status: criteria provided, single submitter. Criteria: Ambry Variant Classification Scheme 2023. Collection method: clinical testing. Allele origin: germline.
Comment: The p.N157D variant (also known as c.469A>G), located in coding exon 3 of the TBX20 gene, results from an A to G substitution at nucleotide position 469. The asparagine at codon 157 is replaced by aspartic acid, an amino acid with highly similar properties. This amino acid position is conserved. In addition, the in silico prediction for this alteration is inconclusive. Based on the available evidence, the clinical significance of this variant remains unclear.

Labcorp Genetics (formerly Invitae), Labcorp
Classification: Uncertain significance. Last evaluated: 2024-06-30. Review status: criteria provided, single submitter. Criteria: Invitae Variant Classification Sherloc (09022015). Collection method: clinical testing. Allele origin: germline.
Comment: This sequence change replaces asparagine, which is neutral and polar, with aspartic acid, which is acidic and polar, at codon 157 of the TBX20 protein (p.Asn157Asp). This variant is present in population databases (rs746680624, gnomAD 0.02%). This variant has not been reported in the literature in individuals affected with TBX20-related conditions. Advanced modeling of protein sequence and biophysical properties (such as structural, functional, and spatial information, amino acid conservation, physicochemical variation, residue mobility, and thermodynamic stability) performed at Invitae indicates that this missense variant is not expected to disrupt TBX20 protein function with a negative predictive value of 80%. In summary, the available evidence is currently insufficient to determine the role of this variant in disease. Therefore, it has been classified as a Variant of Uncertain Significance.